The following is an entry in ClinVar:

ClinVar aggregate classification (germline): Uncertain significance (1 of 4 stars; one submission).

Allele frequency attached by ClinVar (database versions not stated): TOPMed below 0.00001; gnomAD 0.00003; gnomAD exomes 0.00007 and 0.00014; ExAC 0.00019; 1000 Genomes Project 30x 0.00047; 1000 Genomes Project 0.00060.
gnomAD v4.1: 111 of 1,613,922 alleles (0.0069%); highest among the groups gnomAD compares: South Asian, 0.12%; 3 homozygotes.

Submission:

Labcorp Genetics (formerly Invitae), Labcorp
Classification: Uncertain significance. Last evaluated: 2024-12-02. Review status: criteria provided, single submitter. Criteria: Invitae Variant Classification Sherloc (09022015). Collection method: clinical testing. Allele origin: germline.
Comment: This sequence change replaces lysine, which is basic and polar, with glutamic acid, which is acidic and polar, at codon 277 of the CEP152 protein (p.Lys277Glu). This variant is present in population databases (rs566987261, gnomAD 0.1%). This variant has not been reported in the literature in individuals affected with CEP152-related conditions. ClinVar contains an entry for this variant (Variation ID: 1424715). Invitae Evidence Modeling of protein sequence and biophysical properties (such as structural, functional, and spatial information, amino acid conservation, physicochemical variation, residue mobility, and thermodynamic stability) indicates that this missense variant is not expected to disrupt CEP152 protein function with a negative predictive value of 80%. In summary, the available evidence is currently insufficient to determine the role of this variant in disease. Therefore, it has been classified as a Variant of Uncertain Significance.

NM_001194998.2(CEP152):c.829A>G (p.Lys277Glu)

Gene: CEP152 (centrosomal protein 152; minus strand). Cytogenetic location: 15q21.1.
Variant type: single nucleotide variant.
Coding change: c.829A>G on transcript NM_001194998.2 (MANE Select); coding-DNA position 829, A replaced by G.
Protein change: p.Lys277Glu; replaces lysine 277 with glutamic acid.
Molecular consequence: missense variant.
Genome position (GRCh38, 1-based): chr15:48,793,324, T>C on the plus strand (A>G on the coding strand, the complement: CEP152 is on the minus strand). VCF-style: chr15-48793324-T-C. GRCh37 (hg19) VCF-style: chr15-49085521-T-C.
Other names: c.829A>G, p.Lys277Glu (NM_014985.4); short protein forms K277E.
Identifiers: ClinVar variation 1424715 (VCV001424715.7), dbSNP rs566987261, ClinGen allele CA7549025.